The following is an entry in ClinVar:

NM_001170629.2(CHD8):c.6650G>A (p.Arg2217Gln)

Gene: CHD8 (chromodomain helicase DNA binding protein 8; minus strand). Cytogenetic location: 14q11.2.
Variant type: single nucleotide variant.
Coding change: c.6650G>A on transcript NM_001170629.2 (MANE Select); coding-DNA position 6650, G replaced by A.
Protein change: p.Arg2217Gln; replaces arginine 2217 with glutamine.
Molecular consequence: missense variant.
Genome position (GRCh38, 1-based): chr14:21,392,628, C>T on the plus strand (G>A on the coding strand, the complement: CHD8 is on the minus strand). VCF-style: chr14-21392628-C-T. GRCh37 (hg19) VCF-style: chr14-21860787-C-T.
Other names: c.5813G>A, p.Arg1938Gln (NM_020920.4); short protein forms R1938Q, R2217Q.
Identifiers: ClinVar variation 496945 (VCV000496945.30), dbSNP rs149307240, ClinGen allele CA7090741.

ClinVar aggregate classification (germline): Benign/Likely benign. Review status: criteria provided, multiple submitters, no conflicts (2 of 4 stars). 7 submissions from 7 submitters: Benign (5); Likely benign (1). 1 of the submissions does not count toward it. Last evaluated 2026-09-01.

Conditions:
CHD8-related disorder. Also called: CHD8-related disorders; CHD8-related condition.
Inborn genetic diseases. Identifiers: MedGen C0950123, MeSH D030342.

Allele frequency attached by ClinVar (database versions not stated): 1000 Genomes Project 30x 0.00265; gnomAD exomes 0.00290; ExAC 0.00297; ESP Exome Variant Server 0.00063; gnomAD 0.00124 and 0.00125; TOPMed 0.00233; 1000 Genomes Project 0.00240.
gnomAD v4.1: 1,679 of 1,613,972 alleles (0.1%); highest among the groups gnomAD compares: Admixed American, 1.2%; 9 homozygotes.

Submissions (7):

CeGaT Center for Human Genetics Tuebingen
Classification: Likely benign. Last evaluated: 2026-09-01. Review status: criteria provided, single submitter. Criteria: CeGaT Center For Human Genetics Tuebingen Variant Classification Criteria Version 2. Collection method: clinical testing. Allele origin: germline. Affected: yes. Observed: 18 variant alleles.
Comment: CHD8: BS1

Labcorp Genetics (formerly Invitae), Labcorp
Classification: Benign. Last evaluated: 2026-01-27. Review status: criteria provided, single submitter. Criteria: Invitae Variant Classification Sherloc (09022015). Collection method: clinical testing. Allele origin: germline.

GeneDx
Classification: Benign. Last evaluated: 2020-09-28. Review status: criteria provided, single submitter. Criteria: GeneDx Variant Classification Process June 2021. Collection method: clinical testing. Allele origin: germline. Affected: yes.

Eurofins Ntd Llc (ga)
Classification: Benign. Last evaluated: 2017-01-27. Review status: criteria provided, single submitter. Criteria: EGL Classification Definitions 2015. Collection method: clinical testing. Allele origin: germline. Observed: 1 variant allele, 1 heterozygote.

Ambry Genetics
Classification: Benign for Inborn genetic diseases. Last evaluated: 2016-10-13. Review status: criteria provided, single submitter. Criteria: Ambry Variant Classification Scheme 2023. Collection method: clinical testing. Allele origin: germline.

Breakthrough Genomics
Classification: Benign. Review status: criteria provided, single submitter. Criteria: ACMG Guidelines, 2015. Collection method: not provided. Allele origin: germline. Inheritance: Autosomal dominant inheritance. Affected: yes.

PreventionGenetics, part of Exact Sciences
Classification: Benign for CHD8-related condition. Last evaluated: 2022-08-03. Review status: no assertion criteria provided. Collection method: clinical testing. Allele origin: germline. Not counted in ClinVar's aggregate classification.
Comment: This variant is classified as benign based on ACMG/AMP sequence variant interpretation guidelines (Richards et al. 2015 PMID: 25741868, with internal and published modifications).